The following is an entry in ClinVar:

NM_014365.3(HSPB8):c.540C>G (p.Ser180Arg)

Gene: HSPB8 (heat shock protein family B (small) member 8; plus strand). Cytogenetic location: 12q24.23.
Variant type: single nucleotide variant.
Coding change: c.540C>G on transcript NM_014365.3 (MANE Select); coding-DNA position 540, C replaced by G.
Protein change: p.Ser180Arg; replaces serine 180 with arginine.
Molecular consequence: missense variant.
Genome position (GRCh38, 1-based): chr12:119,193,807, C>G. VCF-style: chr12-119193807-C-G. GRCh37 (hg19) VCF-style: chr12-119631612-C-G.
Other names: short protein forms S180R.
Identifiers: ClinVar variation 2160895 (VCV002160895.4), dbSNP rs749653259, ClinGen allele CA6819625.
Genomic context (GRCh38, chr12:119,193,807, plus strand): 5'-AGAGGGTCTGCTGATCATCGAAGCTCCCCAGGTCCCTCCTTACTCAACATTTGGAGAGAG[C>G]AGTTTCAACAACGAGCTTCCCCAGGACAGCCAGGAAGTCACCTGTACCTGAGATGCCAGT-3'
Protein context (NP_055180.1, residues 170-190): QVPPYSTFGE[Ser180Arg]SFNNELPQDS

ClinVar aggregate classification (germline): Uncertain significance (1 of 4 stars; one submission).

Conditions:
Charcot-Marie-Tooth disease axonal type 2L. Also called: Charcot-Marie-Tooth Neuropathy Type 2L; CHARCOT-MARIE-TOOTH DISEASE, AXONAL, AUTOSOMAL DOMINANT, TYPE 2L; CHARCOT-MARIE-TOOTH NEUROPATHY, AXONAL, TYPE 2L. Identifiers: Orphanet 99945, MedGen C1837552, MONDO:0012096, OMIM 608673.

Allele frequency attached by ClinVar (database versions not stated): gnomAD exomes below 0.00001; ExAC 0.00001; gnomAD 0.00001.
gnomAD v4.1: 7 of 1,614,048 alleles (0.00043%); highest among the groups gnomAD compares: Non-Finnish European, 0.00059%; no homozygotes.

Submission:

Labcorp Genetics (formerly Invitae), Labcorp
Classification: Uncertain significance for Charcot-Marie-Tooth disease axonal type 2L. Last evaluated: 2026-01-12. Review status: criteria provided, single submitter. Criteria: Invitae Variant Classification Sherloc (09022015). Collection method: clinical testing. Allele origin: germline.
Comment: This sequence change replaces serine, which is neutral and polar, with arginine, which is basic and polar, at codon 180 of the HSPB8 protein (p.Ser180Arg). This variant is not present in population databases (gnomAD no frequency). This variant has not been reported in the literature in individuals affected with HSPB8-related conditions. ClinVar contains an entry for this variant (Variation ID: 2160895). An algorithm developed to predict the effect of missense changes on protein structure and function (PolyPhen-2) suggests that this variant is likely to be tolerated. In summary, the available evidence is currently insufficient to determine the role of this variant in disease. Therefore, it has been classified as a Variant of Uncertain Significance.